The following is an entry in ClinVar:

NM_015506.3(MMACHC):c.799C>T (p.Arg267Trp)

Gene: MMACHC (metabolism of cobalamin associated C; plus strand). Cytogenetic location: 1p34.1.
Variant type: single nucleotide variant.
Coding change: c.799C>T on transcript NM_015506.3 (MANE Select); coding-DNA position 799, C replaced by T.
Protein change: p.Arg267Trp; replaces arginine 267 with tryptophan.
Molecular consequence: missense variant.
Genome position (GRCh38, 1-based): chr1:45,509,165, C>T. VCF-style: chr1-45509165-C-T. GRCh37 (hg19) VCF-style: chr1-45974837-C-T.
Other names: c.628C>T, p.Arg210Trp (NM_001330540.2); short protein forms R267W, R210W.
Identifiers: ClinVar variation 297489 (VCV000297489.22), dbSNP rs34258482, ClinGen allele CA827865.
Genomic context (GRCh38, chr1:45,509,165, plus strand): 5'-TCCCCGGACCTTCCCTTTACCACACCCGCCCCCAAGAAGCCTGGGAATCCCAGCAGAGCC[C>T]GGAGCTGGCTCAGCCCCAGGGTCTCACCACCTGCATCCCCTGGCCCTTGATTTTCTCCCA-3'
Protein context (NP_056321.2, residues 257-277): PKKPGNPSRA[Arg267Trp]SWLSPRVSPP

ClinVar aggregate classification (germline): Conflicting classifications of pathogenicity. Review status: criteria provided, conflicting classifications (1 of 4 stars). 6 submissions from 6 submitters: Uncertain significance (2); Benign (1); Likely benign (1). 2 of the submissions do not count toward it. Last evaluated 2026-01-08.

Conditions:
Disorders of Intracellular Cobalamin Metabolism. Identifiers: MedGen CN043592.
Cobalamin C disease. Also called: Cobalamin-C methylmalonic acidemia and homocystinuria; Methylmalonic acidemia and homocystinuria cblC type; Methylmalonic aciduria and homocystinuria, Vitamin B12-responsive; Vitamin B12 metabolic defect with combined deficiency of methylmalonyl-CoA mutase and homocysteine:methyltetrahydrofolate methyltransferase; methylmalonic aciduria and homocystinuria type cblC; Methylmalonic aciduria with homocystinuria cblC type. Identifiers: Orphanet 26, Orphanet 79282, MedGen C1848561, MONDO:0010184, OMIM 277400.
MMACHC-related disorder. Also called: MMACHC-related condition.

Allele frequency attached by ClinVar (database versions not stated): TOPMed 0.00029; 1000 Genomes Project 30x 0.00172; 1000 Genomes Project 0.00200; ESP Exome Variant Server 0.00008; gnomAD 0.00013; ExAC 0.00019.
gnomAD v4.1: 136 of 1,613,954 alleles (0.0084%); highest among the groups gnomAD compares: East Asian, 0.23%; 2 homozygotes.

Submissions (6):

Labcorp Genetics (formerly Invitae), Labcorp
Classification: Likely benign for Cobalamin C disease. Last evaluated: 2026-01-08. Review status: criteria provided, single submitter. Criteria: Invitae Variant Classification Sherloc (09022015). Collection method: clinical testing. Allele origin: germline.

Blueprint Genetics
Classification: Benign. Last evaluated: 2023-04-27. Review status: criteria provided, single submitter. Criteria: ACMG Guidelines, 2015. Collection method: clinical testing. Allele origin: germline.

GeneDx
Classification: Uncertain significance. Last evaluated: 2021-11-19. Review status: criteria provided, single submitter. Criteria: GeneDx Variant Classification Process June 2021. Collection method: clinical testing. Allele origin: germline. Affected: yes.
Comment: Reported as a variant of uncertain significance in a compound heterozygous state with MMACHC p.(R153Q) in an unaffected infant with a false-positive newborn screen that showed elevated leucine (Wang et al. 2019); In silico analysis supports that this missense variant does not alter protein structure/function; This variant is associated with the following publications: (PMID: 30612563)

Illumina Laboratory Services, Illumina
Classification: Uncertain significance for Disorders of Intracellular Cobalamin Metabolism. Last evaluated: 2018-01-13. Review status: criteria provided, single submitter. Criteria: ICSL Variant Classification Criteria 13 December 2019. Collection method: clinical testing. Allele origin: germline.

PreventionGenetics, part of Exact Sciences
Classification: Likely benign for MMACHC-related condition. Last evaluated: 2023-03-15. Review status: no assertion criteria provided. Collection method: clinical testing. Allele origin: germline. Not counted in ClinVar's aggregate classification.
Comment: This variant is classified as likely benign based on ACMG/AMP sequence variant interpretation guidelines (Richards et al. 2015 PMID: 25741868, with internal and published modifications).

Natera, Inc.
Classification: Benign for Methylmalonic aciduria with homocystinuria cblC type. Last evaluated: 2020-05-03. Review status: no assertion criteria provided. Collection method: clinical testing. Allele origin: germline. Not counted in ClinVar's aggregate classification.